The following is an entry in ClinVar:

NM_000179.3(MSH6):c.2707C>A (p.Pro903Thr)

Gene: MSH6 (mutS homolog 6; plus strand). Cytogenetic location: 2p16.3.
Variant type: single nucleotide variant.
Coding change: c.2707C>A on transcript NM_000179.3 (MANE Select); coding-DNA position 2707, C replaced by A.
Protein change: p.Pro903Thr; replaces proline 903 with threonine.
Molecular consequence: missense variant. On other transcripts: non-coding transcript variant (5), intron variant (2).
Genome position (GRCh38, 1-based): chr2:47,800,690, C>A. VCF-style: chr2-47800690-C-A. GRCh37 (hg19) VCF-style: chr2-48027829-C-A.
Other names: c.2317C>A, p.Pro773Thr (NM_001281492.2); c.1801C>A, p.Pro601Thr (NM_001281493.2, NM_001281494.2, NM_001406811.1 and 6 more transcripts); c.2803C>A, p.Pro935Thr (NM_001406795.1, NM_001406802.1); c.2707C>A, p.Pro903Thr (NM_001406796.1, NM_001406798.1, NM_001406800.1 and 2 more transcripts); c.2410C>A, p.Pro804Thr (NM_001406797.1, NM_001406801.1, NM_001406805.1 and 10 more transcripts); c.2182C>A, p.Pro728Thr (NM_001406799.1, NM_001406806.1, NM_001406807.1); c.2629C>A, p.Pro877Thr (NM_001406804.1); c.2713C>A, p.Pro905Thr (NM_001406813.1); and 4 more; short protein forms P728T, P847T, P905T, P935T, P218T, P601T, P773T, P804T.
Identifiers: ClinVar variation 2809827 (VCV002809827.4), dbSNP rs1432796866, ClinGen allele CA346755331.

ClinVar aggregate classification (germline): Uncertain significance. Review status: criteria provided, multiple submitters, no conflicts (2 of 4 stars). 2 submissions from 2 submitters: Uncertain significance (2). Last evaluated 2025-01-03.

Conditions:
Hereditary nonpolyposis colorectal neoplasms. Identifiers: MedGen C0009405, MeSH D003123.
Hereditary cancer-predisposing syndrome. Also called: Tumor predisposition; Hereditary Cancer Syndrome; Hereditary neoplastic syndrome; Neoplastic Syndromes, Hereditary. Identifiers: Orphanet 140162, MedGen C0027672, MeSH D009386, MONDO:0015356.

Submissions (2):

Ambry Genetics
Classification: Uncertain significance for Hereditary cancer-predisposing syndrome. Last evaluated: 2025-01-03. Review status: criteria provided, single submitter. Criteria: Ambry Variant Classification Scheme 2023. Collection method: clinical testing. Allele origin: germline.
Comment: The p.P903T variant (also known as c.2707C>A), located in coding exon 4 of the MSH6 gene, results from a C to A substitution at nucleotide position 2707. The proline at codon 903 is replaced by threonine, an amino acid with highly similar properties. This amino acid position is conserved. In addition, this alteration is predicted to be deleterious by in silico analysis. Based on the available evidence, the clinical significance of this variant remains unclear.

Labcorp Genetics (formerly Invitae), Labcorp
Classification: Uncertain significance for Hereditary nonpolyposis colorectal neoplasms. Last evaluated: 2022-10-27. Review status: criteria provided, single submitter. Criteria: Invitae Variant Classification Sherloc (09022015). Collection method: clinical testing. Allele origin: germline.
Comment: This sequence change replaces proline, which is neutral and non-polar, with threonine, which is neutral and polar, at codon 903 of the MSH6 protein (p.Pro903Thr). This variant is not present in population databases (gnomAD no frequency). This variant has not been reported in the literature in individuals affected with MSH6-related conditions. Algorithms developed to predict the effect of missense changes on protein structure and function (SIFT, PolyPhen-2, Align-GVGD) all suggest that this variant is likely to be disruptive. In summary, the available evidence is currently insufficient to determine the role of this variant in disease. Therefore, it has been classified as a Variant of Uncertain Significance.